The following is an entry in ClinVar:

NM_002528.7(NTHL1):c.116-13G>T

Gene: NTHL1 (nth like DNA glycosylase 1; minus strand). Cytogenetic location: 16p13.3.
Variant type: single nucleotide variant.
Coding change: c.116-13G>T on transcript NM_002528.7 (MANE Select); 13 bases into the intron before coding-DNA position 116, G replaced by T.
Molecular consequence: intron variant.
Genome position (GRCh38, 1-based): chr16:2,046,379, C>A on the plus strand (G>T on the coding strand, the complement: NTHL1 is on the minus strand). VCF-style: chr16-2046379-C-A. GRCh37 (hg19) VCF-style: chr16-2096380-C-A.
Other names: c.-63-13G>T (NM_001318194.2); c.116-13G>T (NM_001318193.2).
Identifiers: ClinVar variation 1615809 (VCV001615809.9), dbSNP rs2084389434, ClinGen allele CA2201987117.
Genomic context (GRCh38, chr16:2,046,379, plus strand): 5'-TCTGTGCTTTCCGCGGACGCTTCACGGGGCTGTGGCTTTTCCTCGCTTCTGCAAAAAGCA[C>A]CACGCAGTCCCTCTGGTGGGGCCACAGGTGAAGGTAGGGTAGGGGTGCCATCCCGCCTGC-3'

ClinVar aggregate classification (germline): Conflicting classifications of pathogenicity. Review status: criteria provided, conflicting classifications (1 of 4 stars). 2 submissions from 2 submitters: Uncertain significance (1); Likely benign (1). Last evaluated 2026-01-07.

gnomAD v4.1: 7 of 1,600,396 alleles (0.00044%); highest among the groups gnomAD compares: African/African-American, 0.004%; no homozygotes.

Submissions (2):

Labcorp Genetics (formerly Invitae), Labcorp
Classification: Likely benign. Last evaluated: 2026-01-07. Review status: criteria provided, single submitter. Criteria: Invitae Variant Classification Sherloc (09022015). Collection method: clinical testing. Allele origin: germline.

GeneDx
Classification: Uncertain significance. Last evaluated: 2024-06-13. Review status: criteria provided, single submitter. Criteria: GeneDx Variant Classification Process June 2021. Collection method: clinical testing. Allele origin: germline. Affected: yes.
Comment: Not observed at significant frequency in large population cohorts (gnomAD); Has not been previously published as pathogenic or benign to our knowledge; In silico analysis is inconclusive as to whether the variant alters gene splicing. In the absence of RNA/functional studies, the actual effect of this sequence change is unknown.